The following is an entry in ClinVar:

NM_005173.4(ATP2A3):c.1514C>T (p.Pro505Leu)

Gene: ATP2A3 (ATPase sarcoplasmic/endoplasmic reticulum Ca2+ transporting 3; minus strand). Cytogenetic location: 17p13.2.
Variant type: single nucleotide variant.
Coding change: c.1514C>T on transcript NM_005173.4 (MANE Select); coding-DNA position 1514, C replaced by T.
Protein change: p.Pro505Leu; replaces proline 505 with leucine.
Molecular consequence: missense variant.
Genome position (GRCh38, 1-based): chr17:3,942,637, G>A on the plus strand (C>T on the coding strand, the complement: ATP2A3 is on the minus strand). VCF-style: chr17-3942637-G-A. GRCh37 (hg19) VCF-style: chr17-3845931-G-A.
Other names: c.1514C>T, p.Pro505Leu (NM_174953.3, NM_174954.3, NM_174955.3 and 3 more transcripts); c.1514C>T (NM_005173.3); short protein forms P505L.
Identifiers: ClinVar variation 726817 (VCV000726817.7), dbSNP rs143580145, ClinGen allele CA8297172.

ClinVar aggregate classification (germline): Conflicting classifications of pathogenicity. Review status: criteria provided, conflicting classifications (1 of 4 stars). 4 submissions from 4 submitters: Uncertain significance (1); Benign (2). 1 of the submissions does not count toward it. Last evaluated 2025-08-25.

Conditions:
ATP2A3-related disorder. Also called: ATP2A3-related condition.

Allele frequency attached by ClinVar (database versions not stated): gnomAD exomes 0.00021 and 0.00060; ExAC 0.00075; ESP Exome Variant Server 0.00231; TOPMed 0.00274; 1000 Genomes Project 0.00359; 1000 Genomes Project 30x 0.00406.

Submissions (4):

Ambry Genetics
Classification: Uncertain significance. Last evaluated: 2025-08-25. Review status: criteria provided, single submitter. Criteria: Ambry Variant Classification Scheme 2023. Collection method: clinical testing. Allele origin: germline.

Labcorp Genetics (formerly Invitae), Labcorp
Classification: Benign. Last evaluated: 2018-06-26. Review status: criteria provided, single submitter. Criteria: Invitae Variant Classification Sherloc (09022015). Collection method: clinical testing. Allele origin: germline.

Breakthrough Genomics
Classification: Benign. Review status: criteria provided, single submitter. Criteria: ACMG Guidelines, 2015. Collection method: not provided. Allele origin: germline. Inheritance: Unknown mechanism. Affected: yes.

PreventionGenetics, part of Exact Sciences
Classification: Benign for ATP2A3-related condition. Last evaluated: 2019-04-02. Review status: no assertion criteria provided. Collection method: clinical testing. Allele origin: germline. Not counted in ClinVar's aggregate classification.
Comment: This variant is classified as benign based on ACMG/AMP sequence variant interpretation guidelines (Richards et al. 2015 PMID: 25741868, with internal and published modifications).